The following is an entry in ClinVar:

NM_001377448.1(BAHCC1):c.4180-6del

Gene: BAHCC1 (BAH domain and coiled-coil containing 1; plus strand). Cytogenetic location: 17q25.3.
Variant type: Deletion.
Coding change: c.4180-6del on transcript NM_001377448.1 (MANE Select); 6 bases into the intron before coding-DNA position 4180, one base deleted (C; older notation c.4180-6delC).
Molecular consequence: intron variant.
Genome position (GRCh38, 1-based): chr17:81,451,965, C deleted; the last of 8 consecutive C bases (chr17:81,451,958-81,451,965); deleting any one gives the same sequence. VCF-style (leftmost placement, unchanged base first): chr17-81451957-GC-G. GRCh37 (hg19) VCF-style: chr17-79418983-GC-G.
Other names: c.4273-6del (NM_001291324.3).
Identifiers: ClinVar variation 3770396 (VCV003770396.13).

ClinVar aggregate classification (germline): Benign (1 of 4 stars; one submission).

Submission:

CeGaT Center for Human Genetics Tuebingen
Classification: Benign. Last evaluated: 2024-12-01. Review status: criteria provided, single submitter. Criteria: CeGaT Center For Human Genetics Tuebingen Variant Classification Criteria Version 2. Collection method: clinical testing. Allele origin: germline. Affected: yes. Observed: 1 variant allele.
Comment: BAHCC1: BP4, BS1, BS2